The following is an entry in ClinVar:

NM_024548.4(CEP97):c.1111T>C (p.Ser371Pro)

Gene: CEP97 (centrosomal protein 97; plus strand). Cytogenetic location: 3q12.3.
Variant type: single nucleotide variant.
Coding change: c.1111T>C on transcript NM_024548.4 (MANE Select); coding-DNA position 1111, T replaced by C.
Protein change: p.Ser371Pro; replaces serine 371 with proline.
Molecular consequence: missense variant. On other transcripts: intron variant (2).
Genome position (GRCh38, 1-based): chr3:101,757,717, T>C. VCF-style: chr3-101757717-T-C. GRCh37 (hg19) VCF-style: chr3-101476561-T-C.
Other names: c.1009T>C, p.Ser337Pro (NM_001410784.1); c.1028-94T>C (NM_001303401.2); c.926-94T>C (NM_001410785.1); short protein forms S337P, S371P.
Identifiers: ClinVar variation 2706543 (VCV002706543.3), dbSNP rs1174945578, ClinGen allele CA353876289.

ClinVar aggregate classification (germline): Uncertain significance (1 of 4 stars; one submission).

Submission:

Labcorp Genetics (formerly Invitae), Labcorp
Classification: Uncertain significance. Last evaluated: 2024-01-07. Review status: criteria provided, single submitter. Criteria: Invitae Variant Classification Sherloc (09022015). Collection method: clinical testing. Allele origin: germline.
Comment: This sequence change replaces serine, which is neutral and polar, with proline, which is neutral and non-polar, at codon 371 of the CEP97 protein (p.Ser371Pro). This variant is not present in population databases (gnomAD no frequency). This variant has not been reported in the literature in individuals affected with CEP97-related conditions. An algorithm developed to predict the effect of missense changes on protein structure and function (PolyPhen-2) suggests that this variant is likely to be tolerated. In summary, the available evidence is currently insufficient to determine the role of this variant in disease. Therefore, it has been classified as a Variant of Uncertain Significance.